The following is an entry in ClinVar:

NM_130847.3(AMOTL1):c.2834A>G (p.Glu945Gly)

Gene: AMOTL1 (angiomotin like 1; plus strand). Cytogenetic location: 11q21.
Variant type: single nucleotide variant.
Coding change: c.2834A>G on transcript NM_130847.3 (MANE Select); coding-DNA position 2834, A replaced by G.
Protein change: p.Glu945Gly; replaces glutamic acid 945 with glycine.
Molecular consequence: missense variant.
Genome position (GRCh38, 1-based): chr11:94,870,758, A>G. VCF-style: chr11-94870758-A-G. GRCh37 (hg19) VCF-style: chr11-94603923-A-G.
Other names: c.2684A>G, p.Glu895Gly (NM_001301007.2); short protein forms E895G, E945G.
Identifiers: ClinVar variation 5008816 (VCV005008816.1).

ClinVar aggregate classification (germline): Uncertain significance (1 of 4 stars; one submission).

Submission:

GeneDx
Classification: Uncertain significance. Last evaluated: 2026-03-08. Review status: criteria provided, single submitter. Criteria: GeneDx Variant Classification Process June 2021. Collection method: clinical testing. Allele origin: germline.
Comment: Not observed at significant frequency in large population cohorts (gnomAD); In silico analysis suggests that this missense variant does not alter protein structure/function; Has not been previously published as pathogenic or benign to our knowledge